The following is an entry in ClinVar:

ClinVar aggregate classification (germline): Uncertain significance. Review status: criteria provided, multiple submitters, no conflicts (2 of 4 stars). 4 submissions from 4 submitters: Uncertain significance (4). Last evaluated 2026-01-22.

Conditions:
Hereditary cancer-predisposing syndrome. Also called: Hereditary Cancer Syndrome; Neoplastic Syndromes, Hereditary; Tumor predisposition; Hereditary neoplastic syndrome. Identifiers: Orphanet 140162, MedGen C0027672, MeSH D009386, MONDO:0015356.
Fanconi anemia complementation group J. Also called: BRIP1-Related Fanconi Anemia. Identifiers: Orphanet 84, MedGen C1836860, MONDO:0012187, OMIM 609054.
Familial cancer of breast. Also called: Hereditary breast cancer; hereditary breast carcinoma; BREAST CANCER, FAMILIAL. Identifiers: Orphanet 227535, MedGen C0346153, MONDO:0016419, OMIM 114480. Disease mechanism: loss of function.

Allele frequency attached by ClinVar (database versions not stated): gnomAD exomes below 0.00001; ExAC 0.00001.
gnomAD v4.1: 2 of 1,614,108 alleles (0.00012%); highest among the groups gnomAD compares: Admixed American, 0.0017%; no homozygotes.

Submissions (4):

Labcorp Genetics (formerly Invitae), Labcorp
Classification: Uncertain significance for Familial cancer of breast; Fanconi anemia complementation group J. Last evaluated: 2026-01-22. Review status: criteria provided, single submitter. Criteria: Invitae Variant Classification Sherloc (09022015). Collection method: clinical testing. Allele origin: germline.
Comment: This sequence change replaces serine, which is neutral and polar, with leucine, which is neutral and non-polar, at codon 653 of the BRIP1 protein (p.Ser653Leu). This variant is present in population databases (rs756511744, gnomAD 0.003%). This variant has not been reported in the literature in individuals affected with BRIP1-related conditions. ClinVar contains an entry for this variant (Variation ID: 232772). Invitae Evidence Modeling of protein sequence and biophysical properties (such as structural, functional, and spatial information, amino acid conservation, physicochemical variation, residue mobility, and thermodynamic stability) indicates that this missense variant is not expected to disrupt BRIP1 protein function with a negative predictive value of 95%. In summary, the available evidence is currently insufficient to determine the role of this variant in disease. Therefore, it has been classified as a Variant of Uncertain Significance.

Quest Diagnostics Nichols Institute San Juan Capistrano
Classification: Uncertain significance. Last evaluated: 2025-05-30. Review status: criteria provided, single submitter. Criteria: Quest Diagnostics criteria. Collection method: clinical testing. Allele origin: unknown.
Comment: The BRIP1 c.1958C>T (p.Ser653Leu) variant has not been reported in individuals with BRIP1-related conditions in the published literature. The frequency of this variant in the general population (Genome Aggregation Database) is uninformative in the assessment of its pathogenicity. Analysis of this variant using bioinformatics tools for the prediction of the effect of amino acid changes on protein structure and function yielded predictions that this variant is benign. Based on the available information, we are unable to determine the clinical significance of this variant.

Ambry Genetics
Classification: Uncertain significance for Hereditary cancer-predisposing syndrome. Last evaluated: 2025-01-03. Review status: criteria provided, single submitter. Criteria: Ambry Variant Classification Scheme 2023. Collection method: clinical testing. Allele origin: germline.
Comment: The p.S653L variant (also known as c.1958C>T), located in coding exon 13 of the BRIP1 gene, results from a C to T substitution at nucleotide position 1958. The serine at codon 653 is replaced by leucine, an amino acid with dissimilar properties. This amino acid position is not well conserved in available vertebrate species. In addition, this alteration is predicted to be tolerated by in silico analysis. Since supporting evidence is limited at this time, the clinical significance of this alteration remains unclear.

Sema4
Classification: Uncertain significance for Hereditary cancer-predisposing syndrome. Last evaluated: 2021-12-22. Review status: criteria provided, single submitter. Criteria: Sema4 Curation Guidelines. Collection method: curation. Allele origin: germline.
Comment: The BRIP1 c.1958C>T (p.S653L) variant has not been reported in the literature to our knowledge. This variant was observed in 1/251326 chromosomes across all populations, in the large and broad cohorts of the Genome Aggregation Database (PMID: 32461654). This variant has been reported in ClinVar (Variation ID 232772). Functional studies have not been performed, and in silico predictions of the variant's effect on protein function are inconclusive. The overall evidence is insufficient to meet ACMG/AMP criteria for classifying it as benign or pathogenic. In summary, the clinical significance of this variant is currently uncertain.

NM_032043.3(BRIP1):c.1958C>T (p.Ser653Leu)

Gene: BRIP1 (BRCA1 interacting DNA helicase 1; minus strand). Cytogenetic location: 17q23.2.
Variant type: single nucleotide variant.
Coding change: c.1958C>T on transcript NM_032043.3 (MANE Select); coding-DNA position 1958, C replaced by T.
Protein change: p.Ser653Leu; replaces serine 653 with leucine.
Molecular consequence: missense variant.
Genome position (GRCh38, 1-based): chr17:61,776,540, G>A on the plus strand (C>T on the coding strand, the complement: BRIP1 is on the minus strand). VCF-style: chr17-61776540-G-A. GRCh37 (hg19) VCF-style: chr17-59853901-G-A.
Other names: short protein forms S653L.
Identifiers: ClinVar variation 232772 (VCV000232772.17), dbSNP rs756511744, ClinGen allele CA8690613.
Genomic context (GRCh38, chr17:61,776,540, plus strand): 5'-TGGAACTCAAATGTTTCAGTATTCTGGAAGGTAGCACAGAGATTCCGACCCTTGGGGCCT[G>A]ACCCAATGGTACCAACCCAAACCTAGAATATGAATATGTCATTATTAGAGTTATGCCTGA-3'
Protein context (NP_114432.2, residues 643-663): NSQVWVGTIG[Ser653Leu]GPKGRNLCAT